The following is an entry in ClinVar:

NM_033026.6(PCLO):c.265AGT[1] (p.Ser90del)

Gene: PCLO (piccolo presynaptic cytomatrix protein; minus strand). Cytogenetic location: 7q21.11.
Variant type: Microsatellite.
Coding change: c.265AGT[1] on transcript NM_033026.6 (MANE Select); one copy of the 3-base unit AGT starting at c.265; the reference has two copies in a row; one copy, 3 bases deleted.
Protein change: p.Ser90del; deletes serine 90.
Molecular consequence: inframe deletion.
Genome position (GRCh38, 1-based): chr7:83,156,371-83,156,373, ACT deleted on the plus strand (AGT on the coding strand, the reverse complement: PCLO is on the minus strand); deleting any 3 consecutive bases within chr7:83,156,371-83,156,377 gives the same sequence; the position shown is the placement nearest the transcript's 3' end. VCF-style (leftmost placement, unchanged base first): chr7-83156370-GACT-G. GRCh37 (hg19) VCF-style: chr7-82785686-GACT-G.
Other names: c.265AGT[1], p.Ser90del (NM_014510.3); short protein forms S90del.
Identifiers: ClinVar variation 1495435 (VCV001495435.8), dbSNP rs769480895, ClinGen allele CA4321696.
Genomic context (GRCh38, chr7:83,156,370, plus strand): 5'-TGAGACCAGGTTGAGCTGGACGCCCAGGGTCCGGGGGTCTTCCTGATTGCTTTGGAGGAT[GACT>G]ACTATCCAACTCTTGTTTCCTAGAAGAGTTAAAAAAAAAAAAAAAAATCAAGTGAAAATA-3'

ClinVar aggregate classification (germline): Uncertain significance (1 of 4 stars; one submission).

Submission:

Labcorp Genetics (formerly Invitae), Labcorp
Classification: Uncertain significance. Last evaluated: 2024-05-14. Review status: criteria provided, single submitter. Criteria: Invitae Variant Classification Sherloc (09022015). Collection method: clinical testing. Allele origin: germline.
Comment: This variant, c.268_270del, results in the deletion of 1 amino acid(s) of the PCLO protein (p.Ser90del), but otherwise preserves the integrity of the reading frame. This variant is present in population databases (rs769480895, gnomAD 0.02%). This variant has not been reported in the literature in individuals affected with PCLO-related conditions. Experimental studies and prediction algorithms are not available or were not evaluated, and the functional significance of this variant is currently unknown. In summary, the available evidence is currently insufficient to determine the role of this variant in disease. Therefore, it has been classified as a Variant of Uncertain Significance.